The following is an entry in ClinVar:

ClinVar aggregate classification (germline): Uncertain significance (1 of 4 stars; one submission).

Allele frequency attached by ClinVar (database versions not stated): gnomAD exomes 0.00003; ExAC 0.00007.
gnomAD v4.1: 46 of 1,614,128 alleles (0.0028%); highest among the groups gnomAD compares: South Asian, 0.047%; no homozygotes.

Submission:

Labcorp Genetics (formerly Invitae), Labcorp
Classification: Uncertain significance. Last evaluated: 2022-01-18. Review status: criteria provided, single submitter. Criteria: Invitae Variant Classification Sherloc (09022015). Collection method: clinical testing. Allele origin: germline.
Comment: This sequence change replaces histidine, which is basic and polar, with tyrosine, which is neutral and polar, at codon 219 of the SLC19A2 protein (p.His219Tyr). This variant is present in population databases (rs774657740, gnomAD 0.04%). This variant has not been reported in the literature in individuals affected with SLC19A2-related conditions. Algorithms developed to predict the effect of missense changes on protein structure and function are either unavailable or do not agree on the potential impact of this missense change (SIFT: "Tolerated"; PolyPhen-2: "Possibly Damaging"; Align-GVGD: "Class C0"). In summary, the available evidence is currently insufficient to determine the role of this variant in disease. Therefore, it has been classified as a Variant of Uncertain Significance.

NM_006996.3(SLC19A2):c.655C>T (p.His219Tyr)

Gene: SLC19A2 (solute carrier family 19 member 2; minus strand). Cytogenetic location: 1q24.2.
Variant type: single nucleotide variant.
Coding change: c.655C>T on transcript NM_006996.3 (MANE Select); coding-DNA position 655, C replaced by T.
Protein change: p.His219Tyr; replaces histidine 219 with tyrosine.
Molecular consequence: missense variant. On other transcripts: intron variant (1).
Genome position (GRCh38, 1-based): chr1:169,477,307, G>A on the plus strand (C>T on the coding strand, the complement: SLC19A2 is on the minus strand). VCF-style: chr1-169477307-G-A. GRCh37 (hg19) VCF-style: chr1-169446545-G-A.
Other names: c.205-7121C>T (NM_001319667.1); short protein forms H219Y.
Identifiers: ClinVar variation 1904134 (VCV001904134.2), dbSNP rs774657740, ClinGen allele CA1233028.